The following is an entry in ClinVar:

NM_004006.3(DMD):c.3432G>T (p.Gln1144His)

Gene: DMD (dystrophin; minus strand). Cytogenetic location: Xp21.1.
Variant type: single nucleotide variant.
Coding change: c.3432G>T on transcript NM_004006.3 (MANE Select); coding-DNA position 3432, G replaced by T.
Protein change: p.Gln1144His; replaces glutamine 1144 with histidine.
Molecular consequence: missense variant.
Genome position (GRCh38, 1-based): chrX:32,463,439, C>A on the plus strand (G>T on the coding strand, the complement: DMD is on the minus strand). VCF-style: chrX-32463439-C-A. GRCh37 (hg19) VCF-style: chrX-32481556-C-A.
Other names: c.3408G>T, p.Gln1136His (NM_000109.4); c.3420G>T, p.Gln1140His (NM_004009.3); c.3063G>T, p.Gln1021His (NM_004010.3); short protein forms Q1021H, Q1136H, Q1140H, Q1144H.
Identifiers: ClinVar variation 4613965 (VCV004613965.1).
Genomic context (GRCh38, chrX:32,463,439, plus strand): 5'-CATTAGGAAATCTTAGTTAAGTACGTTGAGGCAAGCCACAGTGAAAGAGATTGTCTATAC[C>A]TGTTGGCACATGTGATCCCACTGAGTGTTAAGTTCTTTGAGTTCTGTCTCAAGTCTCGAA-3'
Protein context (NP_003997.2, residues 1134-1154): LNTQWDHMCQ[Gln1144His]VYARKEALKG

ClinVar aggregate classification (germline): Likely pathogenic (1 of 4 stars; one submission).

Conditions:
Cardiovascular phenotype. Identifiers: MedGen CN230736.

Submission:

Ambry Genetics
Classification: Likely pathogenic for Cardiovascular phenotype. Last evaluated: 2025-10-20. Review status: criteria provided, single submitter. Criteria: Ambry Variant Classification Scheme 2023. Collection method: clinical testing. Allele origin: germline.
Comment: The c.3432G>T variant (also known as p.Q1144H), located in coding exon 25 of the DMD gene, results from a G to T substitution at nucleotide position 3432. The amino acid change results in glutamine to histidine at codon 1144, an amino acid with highly similar properties. However, this change occurs in the last base pair of coding exon 25, which makes it likely to have some effect on normal mRNA splicing. This variant was reported in at least one individual with features consistent with DMD-related dystrophinopathy (Wei X et al. Eur J Hum Genet, 2014 Jan;22:110-8; Zhao L et al. Orphanet J Rare Dis, 2024 Aug;19:311). Other variants impacting the same nucleotide position (c.3432G>A, c.3432G>C) have been identified in individuals with features consistent with DMD-related dystrophinopathy (Sedl&aacute;ckov&aacute; J et al. Neuromuscul Disord, 2009 Nov;19:749-53; Bonati U et al. Muscle Nerve, 2015 Jun;51:918-21; Ambry internal data). This nucleotide position is highly conserved in available vertebrate species. In silico splice site analysis predicts that this alteration will weaken the native splice donor site. This variant is considered to be rare based on population cohorts in the Genome Aggregation Database (gnomAD). Based on the majority of available evidence to date, this variant is likely to be pathogenic.

Literature cited by the submitters: PubMed 23756440; PubMed 25612904; PubMed 29604111; PubMed 39182149.